The following is an entry in ClinVar:

NM_015114.3(ANKLE2):c.2677C>T (p.His893Tyr)

Gene: ANKLE2 (ankyrin repeat and LEM domain containing 2; minus strand). Cytogenetic location: 12q24.33.
Variant type: single nucleotide variant.
Coding change: c.2677C>T on transcript NM_015114.3 (MANE Select); coding-DNA position 2677, C replaced by T.
Protein change: p.His893Tyr; replaces histidine 893 with tyrosine.
Molecular consequence: missense variant.
Genome position (GRCh38, 1-based): chr12:132,727,382, G>A on the plus strand (C>T on the coding strand, the complement: ANKLE2 is on the minus strand). VCF-style: chr12-132727382-G-A. GRCh37 (hg19) VCF-style: chr12-133303968-G-A.
Other names: c.2677C>T (NM_015114.2); short protein forms H893Y.
Identifiers: ClinVar variation 3296014 (VCV003296014.2).

ClinVar aggregate classification (germline): Uncertain significance. Review status: criteria provided, multiple submitters, no conflicts (2 of 4 stars). 2 submissions from 2 submitters: Uncertain significance (2). Last evaluated 2024-07-01.

Conditions:
Inborn genetic diseases. Identifiers: MedGen C0950123, MeSH D030342.

gnomAD v4.1: 1 of 1,561,406 alleles (0.000064%); highest among the groups gnomAD compares: Non-Finnish European, 0.000087%; no homozygotes.

Submissions (2):

GeneDx
Classification: Uncertain significance. Last evaluated: 2024-07-01. Review status: criteria provided, single submitter. Criteria: GeneDx Variant Classification Process June 2021. Collection method: clinical testing. Allele origin: germline. Affected: yes.
Comment: Not observed at significant frequency in large population cohorts (gnomAD); In silico analysis supports that this missense variant has a deleterious effect on protein structure/function; Has not been previously published as pathogenic or benign to our knowledge

Ambry Genetics
Classification: Uncertain significance for Inborn genetic diseases. Last evaluated: 2024-06-10. Review status: criteria provided, single submitter. Criteria: Ambry Variant Classification Scheme 2023. Collection method: clinical testing. Allele origin: germline.